The following is an entry in ClinVar:

ClinVar aggregate classification (germline): Conflicting classifications of pathogenicity. Review status: criteria provided, conflicting classifications (1 of 4 stars). 7 submissions from 7 submitters: Uncertain significance (4); Likely benign (2). 1 of the submissions does not count toward it. Last evaluated 2025-12-04.

Conditions:
MYH11-related disorder. Also called: MYH11-related condition.
Aortic aneurysm, familial thoracic 4 (AAT4). Also called: AORTIC ANEURYSM/AORTIC DISSECTION AND PATENT DUCTUS ARTERIOSUS. Identifiers: MedGen C1851504, MONDO:0007568, OMIM 132900.
Familial thoracic aortic aneurysm and aortic dissection (TAAD). Also called: Thoracic aortic aneurysms and dissections. Identifiers: Orphanet 91387, MedGen C4707243, MONDO:0019625.

Allele frequency attached by ClinVar (database versions not stated): TOPMed 0.00006; gnomAD 0.00010.
gnomAD v4.1: 53 of 1,614,026 alleles (0.0033%); highest among the groups gnomAD compares: African/African-American, 0.0053%; no homozygotes.

Submissions (7):

GeneDx
Classification: Uncertain significance. Last evaluated: 2025-12-04. Review status: criteria provided, single submitter. Criteria: GeneDx Variant Classification Process June 2021. Collection method: clinical testing. Allele origin: germline.
Comment: Has not been previously published as pathogenic or benign to our knowledge; In silico analysis suggests that this missense variant does not alter protein structure/function

Labcorp Genetics (formerly Invitae), Labcorp
Classification: Uncertain significance for Aortic aneurysm, familial thoracic 4. Last evaluated: 2025-03-31. Review status: criteria provided, single submitter. Criteria: Invitae Variant Classification Sherloc (09022015). Collection method: clinical testing. Allele origin: germline.
Comment: This sequence change replaces histidine, which is basic and polar, with glutamine, which is neutral and polar, at codon 1809 of the MYH11 protein (p.His1809Gln). This variant is present in population databases (rs746211825, gnomAD 0.008%). This variant has not been reported in the literature in individuals affected with MYH11-related conditions. ClinVar contains an entry for this variant (Variation ID: 318095). Invitae Evidence Modeling of protein sequence and biophysical properties (such as structural, functional, and spatial information, amino acid conservation, physicochemical variation, residue mobility, and thermodynamic stability) indicates that this missense variant is not expected to disrupt MYH11 protein function with a negative predictive value of 95%. In summary, the available evidence is currently insufficient to determine the role of this variant in disease. Therefore, it has been classified as a Variant of Uncertain Significance.

Ambry Genetics
Classification: Likely benign for Familial thoracic aortic aneurysm and aortic dissection. Last evaluated: 2024-12-10. Review status: criteria provided, single submitter. Criteria: Ambry Variant Classification Scheme 2023. Collection method: clinical testing. Allele origin: germline.

Color Diagnostics, LLC DBA Color Health
Classification: Likely benign for Familial thoracic aortic aneurysm and aortic dissection. Last evaluated: 2024-09-12. Review status: criteria provided, single submitter. Criteria: ACMG Guidelines, 2015. Collection method: clinical testing. Allele origin: germline.

Women's Health and Genetics/Laboratory Corporation of America, LabCorp
Classification: Uncertain significance. Last evaluated: 2023-07-10. Review status: criteria provided, single submitter. Criteria: LabCorp Variant Classification Summary - May 2015. Collection method: clinical testing. Allele origin: germline.
Comment: Variant summary: MYH11 c.5427C>G (p.His1809Gln) results in a non-conservative amino acid change located in the Myosin tail (IPR002928) of the encoded protein sequence. Four of five in-silico tools predict a benign effect of the variant on protein function. The variant allele was found at a frequency of 3.6e-05 in 251304 control chromosomes (gnomAD). The available data on variant occurrences in the general population are insufficient to allow any conclusion about variant significance. To our knowledge, no occurrence of c.5427C>G in individuals affected with Thoracic Aortic Aneurysms And Dissections and no experimental evidence demonstrating its impact on protein function have been reported. Six submitters have cited clinical-significance assessments for this variant to ClinVar after 2014, and classified it as uncertain significance (n=4) or likely benign (n=2). Based on the evidence outlined above, the variant was classified as uncertain significance.

Illumina Laboratory Services, Illumina
Classification: Uncertain significance for Aortic aneurysm, familial thoracic 4. Last evaluated: 2018-01-12. Review status: criteria provided, single submitter. Criteria: ICSL Variant Classification Criteria 13 December 2019. Collection method: clinical testing. Allele origin: germline.

PreventionGenetics, part of Exact Sciences
Classification: Uncertain significance for MYH11-related condition. Last evaluated: 2024-01-11. Review status: no assertion criteria provided. Collection method: clinical testing. Allele origin: germline. Not counted in ClinVar's aggregate classification.
Comment: The MYH11 c.5427C>G variant is predicted to result in the amino acid substitution p.His1809Gln. To our knowledge, this variant has not been reported in the literature. This variant is reported in 0.0077% of alleles in individuals of European (Non-Finnish) descent in gnomAD. At this time, the clinical significance of this variant is uncertain due to the absence of conclusive functional and genetic evidence.

NM_002474.3(MYH11):c.5406C>G (p.His1802Gln)

Genes: MYH11 (myosin heavy chain 11; minus strand), NDE1 (nudE neurodevelopment protein 1; plus strand). Cytogenetic location: 16p13.11.
Variant type: single nucleotide variant.
Coding change: c.5406C>G on transcript NM_002474.3 (MANE Select); coding-DNA position 5406, C replaced by G.
Protein change: p.His1802Gln; replaces histidine 1802 with glutamine.
Molecular consequence: missense variant. On other transcripts: intron variant (2).
Genome position (GRCh38, 1-based): chr16:15,717,238, G>C on the plus strand (C>G on the coding strand, the complement: MYH11 is on the minus strand). VCF-style: chr16-15717238-G-C. GRCh37 (hg19) VCF-style: chr16-15811095-G-C.
Other names: c.5427C>G, p.His1809Gln (NM_001040113.2, NM_001040114.2); c.5406C>G, p.His1802Gln (NM_022844.3); c.948-6953G>C (NM_001143979.2, NM_017668.3); short protein forms H1809Q, H1802Q.
Identifiers: ClinVar variation 318095 (VCV000318095.25), dbSNP rs746211825, ClinGen allele CA7921283.